The following is an entry in ClinVar:

ClinVar aggregate classification (germline): Uncertain significance (1 of 4 stars; one submission).

Conditions:
LAMB2-related infantile-onset nephrotic syndrome. Also called: NEPHROTIC SYNDROME, TYPE 5, WITHOUT OCULAR ABNORMALITIES; NEPHROTIC SYNDROME, TYPE 5, WITH OCULAR ABNORMALITIES; Nephrotic Syndrome, type 5. Identifiers: Orphanet 306507, MedGen C3280113, MONDO:0013621, OMIM 614199.

Submission:

Neuberg Centre For Genomic Medicine, NCGM
Classification: Uncertain significance for LAMB2-related infantile-onset nephrotic syndrome. Review status: criteria provided, single submitter. Criteria: ACMG Guidelines, 2015. Collection method: clinical testing. Allele origin: germline. Inheritance: Autosomal recessive inheritance. Affected: yes.
Comment: The missense variant p.A1778P in LAMB2 (NM_002292.4) has not been reported previously as a pathogenic variant nor as a benign variant, to our knowledge. The p.A1778P variant is novel (not in any individuals) in gnomAD Exomes and is novel (not in any individuals) in 1000 Genomes. In silico tools are contradictory in their predictions (SIFT-tolerated, Polyphen-2 -Damaging) and the residue is conserved across species. For these reasons, this variant has been classified as Uncertain Significance. In the absence of another reportable variant the diagnosis of LAMB2 related recessive disorder is not confirmed.

NM_002292.4(LAMB2):c.5332G>C (p.Ala1778Pro)

Gene: LAMB2 (laminin subunit beta 2; minus strand). Cytogenetic location: 3p21.31.
Variant type: single nucleotide variant.
Coding change: c.5332G>C on transcript NM_002292.4 (MANE Select); coding-DNA position 5332, G replaced by C.
Protein change: p.Ala1778Pro; replaces alanine 1778 with proline.
Molecular consequence: missense variant.
Genome position (GRCh38, 1-based): chr3:49,121,291, C>G on the plus strand (G>C on the coding strand, the complement: LAMB2 is on the minus strand). VCF-style: chr3-49121291-C-G. GRCh37 (hg19) VCF-style: chr3-49158724-C-G.
Other names: short protein forms A1778P.
Identifiers: ClinVar variation 2627423 (VCV002627423.1), dbSNP rs2472494378, ClinGen allele CA352678375.
Genomic context (GRCh38, chr3:49,121,291, plus strand): 5'-GGCAGGTGTTGTAGATCTGCACCTGCAAGTTGATGGCTTGAAGCACGCTGCGCATCCTGG[C>G]CTCCAACCCGTCCAACTGGGCTGCCTTACTCTCCAGTGCCCGCTCATTTTCCTCATAGGT-3'
Protein context (NP_002283.3, residues 1768-1788): SKAAQLDGLE[Ala1778Pro]RMRSVLQAIN